The following is an entry in ClinVar:

ClinVar aggregate classification (germline): Pathogenic (1 of 4 stars; one submission).

Conditions:
Neurofibromatosis, type 1 (NF1). Also called: NEUROFIBROMATOSIS, TYPE I, SOMATIC; VON RECKLINGHAUSEN DISEASE; Neurofibromatosis, type I; Peripheral type neurofibromatosis. Identifiers: Orphanet 636, MedGen C0027831, MONDO:0018975, OMIM 162200. Disease mechanism: loss of function.

Submission:

Labcorp Genetics (formerly Invitae), Labcorp
Classification: Pathogenic for Neurofibromatosis, type 1. Last evaluated: 2021-09-10. Review status: criteria provided, single submitter. Criteria: Invitae Variant Classification Sherloc (09022015). Collection method: clinical testing. Allele origin: germline.
Comment: For these reasons, this variant has been classified as Pathogenic. Disruption of this splice site has been observed in individual(s) with neurofibromatosis (Invitae). This sequence change is a complex rearrangement involving exons 12-29 of the NF1 gene. It does not change the copy number of any exons and may be consistent with an inversion of this region, but the exact nature of the event is unknown. It is expected to disrupt RNA splicing and lead to a loss of protein function (PMID: 16199547), and loss-of-function variants in NF1 are known to be pathogenic (PMID: 10712197, 23913538). It is expected to disrupt RNA splicing. Variants that disrupt the donor or acceptor splice site typically lead to a loss of protein function (PMID: 16199547), and loss-of-function variants in NF1 are known to be pathogenic (PMID: 10712197, 23913538).

Literature cited by the submitters: PubMed 16199547; PubMed 10712197; PubMed 23913538.

NC_000017.10:g.(?_29528523)_(29563921_?)del

Gene: NF1 (neurofibromin 1; plus strand). Cytogenetic location: 17q11.2.
Variant type: Deletion.
Identifiers: ClinVar variation 1363044 (VCV001363044.4).